The following is an entry in ClinVar:

NM_182961.4(SYNE1):c.5539G>A (p.Glu1847Lys)

Gene: SYNE1 (spectrin repeat containing nuclear envelope protein 1; minus strand). Cytogenetic location: 6q25.2.
Variant type: single nucleotide variant.
Coding change: c.5539G>A on transcript NM_182961.4 (MANE Select); coding-DNA position 5539, G replaced by A.
Protein change: p.Glu1847Lys; replaces glutamic acid 1847 with lysine.
Molecular consequence: missense variant.
Genome position (GRCh38, 1-based): chr6:152,416,898, C>T on the plus strand (G>A on the coding strand, the complement: SYNE1 is on the minus strand). VCF-style: chr6-152416898-C-T. GRCh37 (hg19) VCF-style: chr6-152738033-C-T.
Other names: c.5560G>A, p.Glu1854Lys (NM_033071.5); short protein forms E1847K, E1854K.
Identifiers: ClinVar variation 934869 (VCV000934869.9), dbSNP rs778264930, ClinGen allele CA366133820.

ClinVar aggregate classification (germline): Uncertain significance (1 of 4 stars; one submission).

Conditions:
Emery-Dreifuss muscular dystrophy 4, autosomal dominant (EDMD4). Also called: EMERY-DREIFUSS MUSCULAR DYSTROPHY 4 WITH VARIABLE FEATURES. Identifiers: Orphanet 261, MedGen C2751807, MONDO:0013071, OMIM 612998.
Autosomal recessive ataxia, Beauce type. Also called: Spinocerebellar ataxia, autosomal recessive 8; ATAXIA, RECESSIVE, OF BEAUCE; SYNE1-Related Autosomal Recessive Cerebellar Ataxia; SYNE1 Deficiency. Identifiers: Orphanet 88644, MedGen C1853116, MONDO:0012549, OMIM 610743.

Allele frequency attached by ClinVar (database versions not stated): TOPMed below 0.00001.

Submission:

Labcorp Genetics (formerly Invitae), Labcorp
Classification: Uncertain significance for Emery-Dreifuss muscular dystrophy 4, autosomal dominant; Autosomal recessive ataxia, Beauce type. Last evaluated: 2022-02-11. Review status: criteria provided, single submitter. Criteria: Invitae Variant Classification Sherloc (09022015). Collection method: clinical testing. Allele origin: germline.
Comment: In summary, the available evidence is currently insufficient to determine the role of this variant in disease. Therefore, it has been classified as a Variant of Uncertain Significance. Algorithms developed to predict the effect of missense changes on protein structure and function are either unavailable or do not agree on the potential impact of this missense change (SIFT: "Deleterious"; PolyPhen-2: "Benign"; Align-GVGD: "Class C15"). ClinVar contains an entry for this variant (Variation ID: 934869). This variant has not been reported in the literature in individuals affected with SYNE1-related conditions. This variant is not present in population databases (gnomAD no frequency). This sequence change replaces glutamic acid, which is acidic and polar, with lysine, which is basic and polar, at codon 1854 of the SYNE1 protein (p.Glu1854Lys).